The following is an entry in ClinVar:

NM_003922.4(HERC1):c.8311A>C (p.Met2771Leu)

Gene: HERC1 (HECT and RLD domain containing E3 ubiquitin protein ligase family member 1; minus strand). Cytogenetic location: 15q22.31.
Variant type: single nucleotide variant.
Coding change: c.8311A>C on transcript NM_003922.4 (MANE Select); coding-DNA position 8311, A replaced by C.
Protein change: p.Met2771Leu; replaces methionine 2771 with leucine.
Molecular consequence: missense variant.
Genome position (GRCh38, 1-based): chr15:63,666,368, T>G on the plus strand (A>C on the coding strand, the complement: HERC1 is on the minus strand). VCF-style: chr15-63666368-T-G. GRCh37 (hg19) VCF-style: chr15-63958567-T-G.
Other names: short protein forms M2771L.
Identifiers: ClinVar variation 4976110 (VCV004976110.1).

ClinVar aggregate classification (germline): Uncertain significance (1 of 4 stars; one submission).

gnomAD v4.1: 1 of 1,611,466 alleles (0.000062%); highest among the groups gnomAD compares: Non-Finnish European, 0.000085%; no homozygotes.

Submission:

GeneDx
Classification: Uncertain significance. Last evaluated: 2026-02-04. Review status: criteria provided, single submitter. Criteria: GeneDx Variant Classification Process June 2021. Collection method: clinical testing. Allele origin: germline.
Comment: Not observed at significant frequency in large population cohorts (gnomAD); In silico analysis suggests that this missense variant does not alter protein structure/function; Has not been previously published as pathogenic or benign to our knowledge